The following is an entry in ClinVar:

ClinVar aggregate classification (germline): Uncertain significance. Review status: criteria provided, multiple submitters, no conflicts (2 of 4 stars). 2 submissions from 2 submitters: Uncertain significance (2). Last evaluated 2024-03-07.

Conditions:
Nephrolithiasis susceptibility caused by SLC26A1 (CAON1). Also called: NEPHROLITHIASIS, CALCIUM OXALATE, 1. Identifiers: MedGen C5779632, MONDO:0020722, OMIM 167030.
Hypersulfaturia (HYSULF). Identifiers: MedGen C5830511, MONDO:0957268, OMIM 620372.

Allele frequency attached by ClinVar (database versions not stated): TOPMed below 0.00001; ExAC 0.00001; gnomAD exomes 0.00001 and 0.00002.
gnomAD v4.1: 6 of 1,612,790 alleles (0.00037%); highest among the groups gnomAD compares: Admixed American, 0.01%; no homozygotes.

Submissions (2):

Fulgent Genetics
Classification: Uncertain significance for Nephrolithiasis susceptibility caused by SLC26A1; Hypersulfaturia. Last evaluated: 2024-03-07. Review status: criteria provided, single submitter. Criteria: ACMG Guidelines, 2015. Collection method: clinical testing. Allele origin: germline.

Labcorp Genetics (formerly Invitae), Labcorp
Classification: Uncertain significance. Last evaluated: 2020-12-13. Review status: criteria provided, single submitter. Criteria: Invitae Variant Classification Sherloc (09022015). Collection method: clinical testing. Allele origin: germline.
Comment: In summary, the available evidence is currently insufficient to determine the role of this variant in disease. Therefore, it has been classified as a Variant of Uncertain Significance. Algorithms developed to predict the effect of missense changes on protein structure and function are either unavailable or do not agree on the potential impact of this missense change (SIFT: "Deleterious"; PolyPhen-2: "Possibly Damaging"; Align-GVGD: "Class C0"). This variant has not been reported in the literature in individuals with SLC26A1-related conditions. This variant is present in population databases (rs780694854, ExAC 0.009%). This sequence change replaces phenylalanine with leucine at codon 113 of the SLC26A1 protein (p.Phe113Leu). The phenylalanine residue is highly conserved and there is a small physicochemical difference between phenylalanine and leucine.

NM_022042.4(SLC26A1):c.337T>C (p.Phe113Leu)

Genes: SLC26A1 (solute carrier family 26 member 1; minus strand), IDUA (alpha-L-iduronidase; plus strand). Cytogenetic location: 4p16.3.
Variant type: single nucleotide variant.
Coding change: c.337T>C on transcript NM_022042.4 (MANE Select); coding-DNA position 337, T replaced by C.
Protein change: p.Phe113Leu; replaces phenylalanine 113 with leucine.
Molecular consequence: missense variant. On other transcripts: intron variant (1).
Genome position (GRCh38, 1-based): chr4:991,367, A>G on the plus strand (T>C on the coding strand, the complement: SLC26A1 is on the minus strand). VCF-style: chr4-991367-A-G. GRCh37 (hg19) VCF-style: chr4-985155-A-G.
Other names: c.337T>C, p.Phe113Leu (NM_134425.4, NM_213613.4); c.299+3418A>G (NM_000203.5); short protein forms F113L.
Identifiers: ClinVar variation 1410001 (VCV001410001.9), dbSNP rs780694854, ClinGen allele CA2801697.